The following is an entry in ClinVar:

ClinVar aggregate classification (germline): Likely benign (1 of 4 stars; one submission).

Allele frequency attached by ClinVar (database versions not stated): ExAC 0.00024; 1000 Genomes Project 0.00080; 1000 Genomes Project 30x 0.00234.

Submission:

CeGaT Center for Human Genetics Tuebingen
Classification: Likely benign. Last evaluated: 2023-11-01. Review status: criteria provided, single submitter. Criteria: CeGaT Center For Human Genetics Tuebingen Variant Classification Criteria Version 2. Collection method: clinical testing. Allele origin: germline. Affected: yes. Observed: 2 variant alleles.
Comment: AHNAK2: BP4

NM_138420.4(AHNAK2):c.2207A>C (p.Asp736Ala)

Gene: AHNAK2 (AHNAK nucleoprotein 2; minus strand). Cytogenetic location: 14q32.33.
Variant type: single nucleotide variant.
Coding change: c.2207A>C on transcript NM_138420.4 (MANE Select); coding-DNA position 2207, A replaced by C.
Protein change: p.Asp736Ala; replaces aspartic acid 736 with alanine.
Molecular consequence: missense variant.
Genome position (GRCh38, 1-based): chr14:104,953,244, T>G on the plus strand (A>C on the coding strand, the complement: AHNAK2 is on the minus strand). VCF-style: chr14-104953244-T-G. GRCh37 (hg19) VCF-style: chr14-105419581-T-G.
Other names: c.1907A>C, p.Asp636Ala (NM_001350929.2); short protein forms D636A, D736A.
Identifiers: ClinVar variation 2644884 (VCV002644884.24), dbSNP rs548520387, ClinGen allele CA7383599.